The following is an entry in ClinVar:

NM_005609.4(PYGM):c.2312G>A (p.Arg771Gln)

Gene: PYGM (glycogen phosphorylase, muscle associated; minus strand). Cytogenetic location: 11q13.1.
Variant type: single nucleotide variant.
Coding change: c.2312G>A on transcript NM_005609.4 (MANE Select); coding-DNA position 2312, G replaced by A.
Protein change: p.Arg771Gln; replaces arginine 771 with glutamine.
Molecular consequence: missense variant.
Genome position (GRCh38, 1-based): chr11:64,747,224, C>T on the plus strand (G>A on the coding strand, the complement: PYGM is on the minus strand). VCF-style: chr11-64747224-C-T. GRCh37 (hg19) VCF-style: chr11-64514696-C-T.
Other names: c.2048G>A, p.Arg683Gln (NM_001164716.1); short protein forms R771Q, R683Q.
Identifiers: ClinVar variation 430153 (VCV000430153.20), dbSNP rs150911354, ClinGen allele CA6079570.

ClinVar aggregate classification (germline): Pathogenic/Likely pathogenic. Review status: criteria provided, multiple submitters, no conflicts (2 of 4 stars). 8 submissions from 8 submitters: Pathogenic (2); Likely pathogenic (5). 1 of the submissions does not count toward it. Last evaluated 2025-12-05.

Conditions:
Glycogen storage disease, type V (GSD5). Also called: McArdle type glycogen storage disease; PYGM DEFICIENCY; MCARDLE DISEASE; MUSCLE GLYCOGEN PHOSPHORYLASE DEFICIENCY; MYOPHOSPHORYLASE DEFICIENCY. Identifiers: Orphanet 368, MedGen C0017924, MONDO:0009293, OMIM 232600.

Allele frequency attached by ClinVar (database versions not stated): gnomAD exomes below 0.00001; ExAC 0.00002; TOPMed 0.00002; gnomAD 0.00003 and 0.00004; ESP Exome Variant Server 0.00008.
gnomAD v4.1: 7 of 1,613,916 alleles (0.00043%); highest among the groups gnomAD compares: African/African-American, 0.004%; no homozygotes.

Submissions (8):

Myriad Genetics, Inc.
Classification: Likely pathogenic for Glycogen storage disease, type V. Last evaluated: 2025-12-05. Review status: criteria provided, single submitter. Criteria: Myriad Autosomal Dominant, Autosomal Recessive and X-Linked Classification Criteria (2023). Collection method: clinical testing. Allele origin: unknown.
Comment: NM_005609.2(PYGM):c.2312G>A(R771Q) is a missense variant classified as likely pathogenic in the context of glycogen storage disease, PYGM-related. R771Q has been observed in cases with relevant disease (PMID: 35022222, 34534370, 21802952, 19670320). Relevant functional assessments of this variant are not available in the literature. R771Q has been observed in referenced population frequency databases. In summary, NM_005609.2(PYGM):c.2312G>A(R771Q) is a missense variant that has been observed more frequently in cases with the relevant disease than in healthy populations. Please note: this variant was assessed in the context of healthy population screening.

Natera, Inc.
Classification: Likely pathogenic for Glycogen storage disease V. Last evaluated: 2025-11-24. Review status: criteria provided, single submitter. Criteria: Natera Variant Classification Schema (03/2026). Collection method: clinical testing. Allele origin: germline.
Comment: The c.2312G>A variant in PYGM is a missense variant predicted to cause substitution of arginine to glutamine at amino acid 771. This variant is rare in the general population with a frequency below the threshold expected for the associated phenotype(s). This variant has been observed in one or more individuals affected with the associated recessive disease, as either homozygous or compound heterozygous with a second variant (PMID: 34534370, 19670320, 35022222). This variant has been identified in one or more affected individuals with a phenotype highly consistent with the associated gene (PMID:34534370). Computational prediction algorithms indicate this variant is likely to affect gene or protein function. Given the available evidence, this variant is classified as Likely Pathogenic.

Labcorp Genetics (formerly Invitae), Labcorp
Classification: Pathogenic for Glycogen storage disease, type V. Last evaluated: 2025-08-22. Review status: criteria provided, single submitter. Criteria: Invitae Variant Classification Sherloc (09022015). Collection method: clinical testing. Allele origin: germline.
Comment: This sequence change replaces arginine, which is basic and polar, with glutamine, which is neutral and polar, at codon 771 of the PYGM protein (p.Arg771Gln). This variant also falls at the last nucleotide of exon 18, which is part of the consensus splice site for this exon. This variant is present in population databases (rs150911354, gnomAD 0.005%). This missense change has been observed in individual(s) with glycogen storage disease (PMID: 19670320, 21802952, 34534370, 35022222; internal data). In at least one individual the data is consistent with being in trans (on the opposite chromosome) from a pathogenic variant. ClinVar contains an entry for this variant (Variation ID: 430153). Invitae Evidence Modeling of protein sequence and biophysical properties (such as structural, functional, and spatial information, amino acid conservation, physicochemical variation, residue mobility, and thermodynamic stability) indicates that this missense variant is not expected to disrupt PYGM protein function with a negative predictive value of 80%. Variants that disrupt the consensus splice site are a relatively common cause of aberrant splicing (PMID: 17576681, 9536098). Algorithms developed to predict the effect of sequence changes on RNA splicing suggest that this variant may disrupt the consensus splice site. For these reasons, this variant has been classified as Pathogenic.

GeneDx
Classification: Pathogenic. Last evaluated: 2025-07-01. Review status: criteria provided, single submitter. Criteria: GeneDx Variant Classification Process June 2021. Collection method: clinical testing. Allele origin: germline. Affected: yes.
Comment: Not observed at significant frequency in large population cohorts (gnomAD); In silico analysis supports that this missense variant has a deleterious effect on protein structure/function; In silico analysis is inconclusive as to whether the variant alters gene splicing. In the absence of RNA/functional studies, the actual effect of this sequence change is unknown.; This variant is associated with the following publications: (PMID: 18846642, 19670320, 34534370, 21802952, 35022222)

Baylor Genetics
Classification: Likely pathogenic for Glycogen storage disease, type V. Last evaluated: 2023-12-02. Review status: criteria provided, single submitter. Criteria: ACMG Guidelines, 2015. Collection method: clinical testing. Allele origin: unknown.

Columbia University Laboratory of Personalized Genomic Medicine, Columbia University Medical Center
Classification: Likely pathogenic for Glycogen storage disease, type V. Last evaluated: 2021-10-11. Review status: criteria provided, single submitter. Criteria: ACMG Guidelines, 2015. Collection method: clinical testing. Allele origin: germline. Inheritance: Autosomal recessive inheritance. Affected: yes. Observed: 1 homozygote.
Comment: The c. 2312G>A(p.Arg771Gln) variant identified in this individual is a missense variant in coding exon 18/20 that substitutes a conserved arginine residue to glutamine at amino acid 771/843. In silico methods predict this variant to be tolerated/damaging (SIFT: 0.165; Provean:-3.38) to protein function. This variant is also predicted to affect splicing as it lies in the last nucleotide of exon 18, which is part of the consensus splice donor site for this exon (Trap Score: 0.989; dbscSNV: 0.9999). This variant is present at an allele frequency of 2/282862, zero homozygotes in gnomAD exomes and genomes, suggesting that it is not a common benign variant in the populations represented in these databases. Based on the currently available evidence, we classify this variant as likely pathogenic.

Juno Genomics, Hangzhou Juno Genomics, Inc
Classification: Likely pathogenic for Glycogen storage disease, type V. Review status: criteria provided, single submitter. Criteria: ACMG Guidelines, 2015. Collection method: clinical testing. Allele origin: germline. Affected: yes.
Comment: Absent from controls (or at extremely low frequency if recessive) in Genome Aggregation Database, Exome Sequencing Project, 1000 Genomes Project, or Exome Aggregation Consortium.;Multiple lines of computational evidence support a deleterious effect on the gene or gene product (conservation, evolutionary, splicing impact, etc).;For recessive disorders, detected in trans with a pathogenic variant.

Counsyl
Classification: Uncertain significance for Glycogen storage disease, type V. Last evaluated: 2017-08-30. Review status: no assertion criteria provided. Collection method: clinical testing. Allele origin: unknown. Not counted in ClinVar's aggregate classification.

Literature cited by the submitters: PubMed 19670320 (cited by 5 submitters); PubMed 21802952 (cited by 4 submitters); PubMed 34534370 (cited by 3 submitters); PubMed 35022222 (cited by 3 submitters); PubMed 17576681 (cited by Labcorp Genetics (formerly Invitae), Labcorp); PubMed 9536098 (cited by Labcorp Genetics (formerly Invitae), Labcorp).